The following is an entry in ClinVar:

NM_015047.3(EMC1):c.260T>C (p.Val87Ala)

Gene: EMC1 (ER membrane protein complex subunit 1; minus strand). Cytogenetic location: 1p36.13.
Variant type: single nucleotide variant.
Coding change: c.260T>C on transcript NM_015047.3 (MANE Select); coding-DNA position 260, T replaced by C.
Protein change: p.Val87Ala; replaces valine 87 with alanine.
Molecular consequence: missense variant. On other transcripts: intron variant (1).
Genome position (GRCh38, 1-based): chr1:19,243,976, A>G on the plus strand (T>C on the coding strand, the complement: EMC1 is on the minus strand). VCF-style: chr1-19243976-A-G. GRCh37 (hg19) VCF-style: chr1-19570470-A-G.
Other names: c.260T>C, p.Val87Ala (NM_001271427.2, NM_001271428.2, NM_001375820.1 and 1 more transcripts); c.221-269T>C (NM_001271429.2); short protein forms V87A.
Identifiers: ClinVar variation 1516449 (VCV001516449.6), dbSNP rs2151962851, ClinGen allele CA338773049.

ClinVar aggregate classification (germline): Uncertain significance (1 of 4 stars; one submission).

Submission:

Labcorp Genetics (formerly Invitae), Labcorp
Classification: Uncertain significance. Last evaluated: 2024-07-05. Review status: criteria provided, single submitter. Criteria: Invitae Variant Classification Sherloc (09022015). Collection method: clinical testing. Allele origin: germline.
Comment: This sequence change replaces valine, which is neutral and non-polar, with alanine, which is neutral and non-polar, at codon 87 of the EMC1 protein (p.Val87Ala). This variant is not present in population databases (gnomAD no frequency). This variant has not been reported in the literature in individuals affected with EMC1-related conditions. ClinVar contains an entry for this variant (Variation ID: 1516449). Advanced modeling of protein sequence and biophysical properties (such as structural, functional, and spatial information, amino acid conservation, physicochemical variation, residue mobility, and thermodynamic stability) has been performed at Invitae for this missense variant, however the output from this modeling did not meet the statistical confidence thresholds required to predict the impact of this variant on EMC1 protein function. In summary, the available evidence is currently insufficient to determine the role of this variant in disease. Therefore, it has been classified as a Variant of Uncertain Significance.